The following is an entry in ClinVar:

ClinVar aggregate classification (germline): Pathogenic (1 of 4 stars; one submission).

Conditions:
Hereditary diffuse gastric adenocarcinoma (HDGC). Also called: DIFFUSE GASTRIC AND LOBULAR BREAST CANCER SYNDROME. Identifiers: Orphanet 26106, MedGen C1708349, MONDO:0007648, OMIM 137215.

Submission:

Myriad Genetics, Inc.
Classification: Pathogenic for Hereditary diffuse gastric adenocarcinoma. Last evaluated: 2026-08-18. Review status: criteria provided, single submitter. Criteria: Myriad Autosomal Dominant, Autosomal Recessive and X-Linked Classification Criteria (2023). Collection method: clinical testing. Allele origin: unknown.
Comment: This variant is considered pathogenic. This variant creates a frameshift predicted to result in premature protein truncation.

NM_001903.5(CTNNA1):c.1480dup (p.Gln494fs)

Gene: CTNNA1 (catenin alpha 1; plus strand). Cytogenetic location: 5q31.2.
Variant type: Duplication.
Coding change: c.1480dup on transcript NM_001903.5 (MANE Select); coding-DNA position 1480, one base duplicated (C; older notation c.1480dupC).
Protein change: p.Gln494fs; shifts the reading frame from glutamine 494.
Molecular consequence: frameshift variant.
Genome position (GRCh38, 1-based): chr5:138,917,832, C duplicated. VCF-style (leftmost placement, unchanged base first): chr5-138917831-A-AC. GRCh37 (hg19) VCF-style: chr5-138253520-A-AC.
Other names: c.1480dup, p.Gln494fs (NM_001290307.3, NM_001323982.2, NM_001323983.1 and 2 more transcripts); c.1171dup, p.Gln391fs (NM_001290309.3); c.1111dup, p.Gln371fs (NM_001290310.3); c.370dup, p.Gln124fs (NM_001290312.1, NM_001323987.1, NM_001323988.1 and 17 more transcripts); c.277dup, p.Gln93fs (NM_001324011.1); c.127dup, p.Gln43fs (NM_001324012.1, NM_001324013.1); c.1387dup, p.Gln463fs (NM_001323986.2); c.31dup, p.Gln11fs (NM_001324006.1, NM_001324007.1, NM_001324008.1 and 2 more transcripts); short protein forms Q11fs, Q124fs, Q371fs, Q391fs, Q43fs, Q463fs, Q494fs, Q93fs.
Identifiers: ClinVar variation 5042253 (VCV005042253.1).
Genomic context (GRCh38, chr5:138,917,831, plus strand): 5'-AAAACCACAGAGTAAACTGGCCCAAGAGAACATGGATCTTTTTAAAGAACAATGGGAAAA[A>AC]CAAGTCCGTGTTCTCACAGATGCTGTCGATGACATTACTTCCATTGATGACTTCTTGGCT-3'